The following is an entry in ClinVar:

NM_000199.5(SGSH):c.119ACA[2] (p.Asn42del)

Gene: SGSH (N-sulfoglucosamine sulfohydrolase; minus strand). Cytogenetic location: 17q25.3.
Variant type: Microsatellite.
Coding change: c.119ACA[2] on transcript NM_000199.5 (MANE Select); two copies in a row of the 3-base unit ACA starting at c.119; the reference has three copies in a row; one copy, 3 bases deleted.
Protein change: p.Asn42del; deletes asparagine 42.
Molecular consequence: inframe deletion. On other transcripts: non-coding transcript variant (1).
Genome position (GRCh38, 1-based): chr17:80,217,154-80,217,156, TGT deleted on the plus strand (ACA on the coding strand, the reverse complement: SGSH is on the minus strand); deleting any 3 consecutive bases within chr17:80,217,154-80,217,162 gives the same sequence; the position shown is the placement nearest the transcript's 3' end. VCF-style (leftmost placement, unchanged base first): chr17-80217153-CTGT-C. GRCh37 (hg19) VCF-style: chr17-78190952-CTGT-C.
Other names: c.119ACA[2], p.Asn42del (NM_001352921.3, NM_001352922.2); short protein forms N42del.
Identifiers: ClinVar variation 2202686 (VCV002202686.1), dbSNP rs746784710, ClinGen allele CA8818165.

ClinVar aggregate classification (germline): Uncertain significance (1 of 4 stars; one submission).

Conditions:
Mucopolysaccharidosis, MPS-III-A (MPS3A). Also called: HEPARAN SULFATE SULFATASE DEFICIENCY; SANFILIPPO SYNDROME A; SULFAMIDASE DEFICIENCY; MPS III A; MUCOPOLYSACCHARIDOSIS, TYPE IIIA, ATTENUATED; Mucopolysaccharidosis type IIIA (Sanfilippo A). Identifiers: Orphanet 581, Orphanet 79269, MedGen C0086647, MONDO:0009655, OMIM 252900.

Submission:

Labcorp Genetics (formerly Invitae), Labcorp
Classification: Uncertain significance for Mucopolysaccharidosis, MPS-III-A. Last evaluated: 2022-02-08. Review status: criteria provided, single submitter. Criteria: Invitae Variant Classification Sherloc (09022015). Collection method: clinical testing. Allele origin: germline.
Comment: This variant, c.125_127del, results in the deletion of 1 amino acid(s) of the SGSH protein (p.Asn42del), but otherwise preserves the integrity of the reading frame. This variant is present in population databases (rs746784710, gnomAD 0.003%). This variant has not been reported in the literature in individuals affected with SGSH-related conditions. Experimental studies and prediction algorithms are not available or were not evaluated, and the functional significance of this variant is currently unknown. In summary, the available evidence is currently insufficient to determine the role of this variant in disease. Therefore, it has been classified as a Variant of Uncertain Significance.